The following is an entry in ClinVar:

NM_000214.3(JAG1):c.3243G>A (p.Trp1081Ter)

Gene: JAG1 (jagged canonical Notch ligand 1; minus strand). Cytogenetic location: 20p12.2.
Variant type: single nucleotide variant.
Coding change: c.3243G>A on transcript NM_000214.3 (MANE Select); coding-DNA position 3243, G replaced by A.
Protein change: p.Trp1081Ter; replaces tryptophan 1081 with a stop codon.
Molecular consequence: nonsense.
Genome position (GRCh38, 1-based): chr20:10,639,912, C>T on the plus strand (G>A on the coding strand, the complement: JAG1 is on the minus strand). VCF-style: chr20-10639912-C-T. GRCh37 (hg19) VCF-style: chr20-10620560-C-T.
Other names: short protein forms W1081*.
Identifiers: ClinVar variation 1993748 (VCV001993748.5), dbSNP rs2514506705, ClinGen allele CA408243658.

ClinVar aggregate classification (germline): Conflicting classifications of pathogenicity. Review status: criteria provided, conflicting classifications (1 of 4 stars). 2 submissions from 2 submitters: Likely pathogenic (1); Uncertain significance (1). Last evaluated 2024-06-17.

Conditions:
JAG1-related disorder. Also called: JAG1-related disorders; JAG1-related condition.
Alagille syndrome due to a JAG1 point mutation. Also called: HEPATIC DUCTULAR HYPOPLASIA, SYNDROMATIC; JAG1-Related Alagille Syndrome; Alagille Syndrome 1. Identifiers: Orphanet 261619, Orphanet 52, MedGen C1956125, MONDO:0016862, OMIM 118450.

Submissions (2):

Blueprint Genetics
Classification: Likely pathogenic for JAG1-related disorders. Last evaluated: 2024-06-17. Review status: criteria provided, single submitter. Criteria: ACMG Guidelines, 2015. Collection method: clinical testing. Allele origin: germline. Affected: yes. Observed: 1 variant allele.

Labcorp Genetics (formerly Invitae), Labcorp
Classification: Uncertain significance for Alagille syndrome due to a JAG1 point mutation. Last evaluated: 2022-05-12. Review status: criteria provided, single submitter. Criteria: Invitae Variant Classification Sherloc (09022015). Collection method: clinical testing. Allele origin: germline.
Comment: This sequence change creates a premature translational stop signal (p.Trp1081*) in the JAG1 gene. While this is not anticipated to result in nonsense mediated decay, it is expected to disrupt the last 138 amino acid(s) of the JAG1 protein. This variant is not present in population databases (gnomAD no frequency). This variant has not been reported in the literature in individuals affected with JAG1-related conditions. Experimental studies and prediction algorithms are not available or were not evaluated, and the functional significance of this variant is currently unknown. In summary, the available evidence is currently insufficient to determine the role of this variant in disease. Therefore, it has been classified as a Variant of Uncertain Significance.